The following is an entry in ClinVar:

NM_001276345.2(TNNT2):c.851+2dup

Gene: TNNT2 (troponin T2, cardiac type; minus strand). Cytogenetic location: 1q32.1.
Variant type: Duplication.
Coding change: c.851+2dup on transcript NM_001276345.2 (MANE Select); the canonical splice donor site of the intron after coding-DNA position 851, one base duplicated (T; older notation c.851+2dupT).
Molecular consequence: splice donor variant.
Genome position (GRCh38, 1-based): chr1:201,359,621, A duplicated on the plus strand (T on the coding strand, the reverse complement: TNNT2 is on the minus strand). VCF-style (leftmost placement, unchanged base first): chr1-201359620-T-TA. GRCh37 (hg19) VCF-style: chr1-201328748-T-TA.
Other names: c.803+2dup (NM_001001432.3); c.812+2dup (NM_001001431.3); c.821+2dup (NM_001001430.3, NM_001276347.2); c.722+2dup (NM_001276346.2); c.842+2dup (NM_000364.4).
Identifiers: ClinVar variation 1483859 (VCV001483859.6), dbSNP rs2102216666, ClinGen allele CA2573131419.

ClinVar aggregate classification (germline): Uncertain significance (1 of 4 stars; one submission).

Conditions:
Dilated cardiomyopathy 1D. Identifiers: Orphanet 154, Orphanet 54260, MedGen C1832243, MONDO:0011095, OMIM 601494.
Cardiomyopathy, familial restrictive, 3. Identifiers: Orphanet 75249, MedGen C2676271, MONDO:0012900, OMIM 612422.
Hypertrophic cardiomyopathy 2. Also called: TNNT2-Related Familial Hypertrophic Cardiomyopathy. Identifiers: MedGen C1861864, MONDO:0007266, OMIM 115195.

Submission:

Labcorp Genetics (formerly Invitae), Labcorp
Classification: Uncertain significance for Cardiomyopathy, familial restrictive, 3; Hypertrophic cardiomyopathy 2; Dilated cardiomyopathy 1D. Last evaluated: 2021-10-23. Review status: criteria provided, single submitter. Criteria: Invitae Variant Classification Sherloc (09022015). Collection method: clinical testing. Allele origin: germline.
Comment: In summary, the available evidence is currently insufficient to determine the role of this variant in disease. Therefore, it has been classified as a Variant of Uncertain Significance. Variants that disrupt the consensus splice site are a relatively common cause of aberrant splicing (PMID: 17576681, 9536098). Algorithms developed to predict the effect of sequence changes on RNA splicing suggest that this variant may disrupt the consensus splice site. This variant has not been reported in the literature in individuals affected with TNNT2-related conditions. This variant is not present in population databases (gnomAD no frequency). This sequence change falls in intron 15 of the TNNT2 gene. It does not directly change the encoded amino acid sequence of the TNNT2 protein. It affects a nucleotide within the consensus splice site.

Literature cited by the submitters: PubMed 17576681; PubMed 9536098.